The following is an entry in ClinVar:

NM_000388.4(CASR):c.2380T>A (p.Ser794Thr)

Gene: CASR (calcium sensing receptor; plus strand). Cytogenetic location: 3q21.1.
Variant type: single nucleotide variant.
Coding change: c.2380T>A on transcript NM_000388.4 (MANE Select); coding-DNA position 2380, T replaced by A.
Protein change: p.Ser794Thr; replaces serine 794 with threonine.
Molecular consequence: missense variant.
Genome position (GRCh38, 1-based): chr3:122,284,334, T>A. VCF-style: chr3-122284334-T-A. GRCh37 (hg19) VCF-style: chr3-122003181-T-A.
Other names: p.Ser794Thr; c.2410T>A, p.Ser804Thr (NM_001178065.2); short protein forms S794T, S804T.
Identifiers: ClinVar variation 3379488 (VCV003379488.3).

ClinVar aggregate classification (germline): Uncertain significance. Review status: criteria provided, multiple submitters, no conflicts (2 of 4 stars). 2 submissions from 2 submitters: Uncertain significance (2). Last evaluated 2024-08-15.

Conditions:
Autosomal dominant hypocalcemia 1 (HYPOC1). Also called: HYPOCALCEMIA, FAMILIAL. Identifiers: MedGen C3715128, MONDO:0011013, OMIM 601198.
Familial hypocalciuric hypercalcemia (FHH). Also called: Familial benign hypercalcemia. Identifiers: Orphanet 405, MedGen C1809471, MONDO:0018458.

Submissions (2):

Labcorp Genetics (formerly Invitae), Labcorp
Classification: Uncertain significance for Familial hypocalciuric hypercalcemia; Autosomal dominant hypocalcemia 1. Last evaluated: 2024-08-15. Review status: criteria provided, single submitter. Criteria: Invitae Variant Classification Sherloc (09022015). Collection method: clinical testing. Allele origin: germline.
Comment: This sequence change replaces serine, which is neutral and polar, with threonine, which is neutral and polar, at codon 794 of the CASR protein (p.Ser794Thr). This variant is not present in population databases (gnomAD no frequency). This variant has not been reported in the literature in individuals affected with CASR-related conditions. An algorithm developed to predict the effect of missense changes on protein structure and function (PolyPhen-2) suggests that this variant is likely to be disruptive. In summary, the available evidence is currently insufficient to determine the role of this variant in disease. Therefore, it has been classified as a Variant of Uncertain Significance.

Mayo Clinic Laboratories, Mayo Clinic
Classification: Uncertain significance. Last evaluated: 2024-06-18. Review status: criteria provided, single submitter. Criteria: ACMG Guidelines, 2015. Collection method: clinical testing. Allele origin: germline. Observed: 1 variant allele.
Comment: PM2